The following is an entry in ClinVar:

ClinVar aggregate classification (germline): Uncertain significance (1 of 4 stars; one submission).

Conditions:
Macular corneal dystrophy (MCD). Also called: GROENOUW TYPE II CORNEAL DYSTROPHY; Macular corneal dystrophy Type I. Identifiers: Orphanet 98969, MedGen C1636149, MONDO:0009020, OMIM 217800.

Submission:

Labcorp Genetics (formerly Invitae), Labcorp
Classification: Uncertain significance for Macular corneal dystrophy. Last evaluated: 2024-04-15. Review status: criteria provided, single submitter. Criteria: Invitae Variant Classification Sherloc (09022015). Collection method: clinical testing. Allele origin: germline.
Comment: This sequence change replaces arginine, which is basic and polar, with proline, which is neutral and non-polar, at codon 28 of the CHST6 protein (p.Arg28Pro). This variant is not present in population databases (gnomAD no frequency). This variant has not been reported in the literature in individuals affected with CHST6-related conditions. An algorithm developed to predict the effect of missense changes on protein structure and function (PolyPhen-2) suggests that this variant is likely to be tolerated. Algorithms developed to predict the effect of sequence changes on RNA splicing suggest that this variant may disrupt the consensus splice site. In summary, the available evidence is currently insufficient to determine the role of this variant in disease. Therefore, it has been classified as a Variant of Uncertain Significance.

NM_021615.5(CHST6):c.83G>C (p.Arg28Pro)

Gene: CHST6 (carbohydrate sulfotransferase 6; minus strand). Cytogenetic location: 16q23.1.
Variant type: single nucleotide variant.
Coding change: c.83G>C on transcript NM_021615.5 (MANE Select); coding-DNA position 83, G replaced by C.
Protein change: p.Arg28Pro; replaces arginine 28 with proline.
Molecular consequence: missense variant.
Genome position (GRCh38, 1-based): chr16:75,479,746, C>G on the plus strand (G>C on the coding strand, the complement: CHST6 is on the minus strand). VCF-style: chr16-75479746-C-G. GRCh37 (hg19) VCF-style: chr16-75513644-C-G.
Other names: short protein forms R28P.
Identifiers: ClinVar variation 3707625 (VCV003707625.2).